The following is an entry in ClinVar:

ClinVar aggregate classification (germline): Uncertain significance (1 of 4 stars; one submission).

Allele frequency attached by ClinVar (database versions not stated): gnomAD exomes below 0.00001; ExAC 0.00001; 1000 Genomes Project 0.00020; 1000 Genomes Project 30x 0.00031.
gnomAD v4.1: 2 of 1,611,212 alleles (0.00012%); highest among the groups gnomAD compares: Admixed American, 0.0017%; no homozygotes.

Submission:

Labcorp Genetics (formerly Invitae), Labcorp
Classification: Uncertain significance. Last evaluated: 2022-07-24. Review status: criteria provided, single submitter. Criteria: Invitae Variant Classification Sherloc (09022015). Collection method: clinical testing. Allele origin: germline.
Comment: This sequence change replaces proline, which is neutral and non-polar, with serine, which is neutral and polar, at codon 187 of the SLC10A2 protein (p.Pro187Ser). This variant is present in population databases (rs576655877, gnomAD 0.003%). This variant has not been reported in the literature in individuals affected with SLC10A2-related conditions. Algorithms developed to predict the effect of missense changes on protein structure and function are either unavailable or do not agree on the potential impact of this missense change (SIFT: "Tolerated"; PolyPhen-2: "Possibly Damaging"; Align-GVGD: "Class C15"). In summary, the available evidence is currently insufficient to determine the role of this variant in disease. Therefore, it has been classified as a Variant of Uncertain Significance.

NM_000452.3(SLC10A2):c.559C>T (p.Pro187Ser)

Gene: SLC10A2 (solute carrier family 10 member 2; minus strand). Cytogenetic location: 13q33.1.
Variant type: single nucleotide variant.
Coding change: c.559C>T on transcript NM_000452.3 (MANE Select); coding-DNA position 559, C replaced by T.
Protein change: p.Pro187Ser; replaces proline 187 with serine.
Molecular consequence: missense variant.
Genome position (GRCh38, 1-based): chr13:103,052,646, G>A on the plus strand (C>T on the coding strand, the complement: SLC10A2 is on the minus strand). VCF-style: chr13-103052646-G-A. GRCh37 (hg19) VCF-style: chr13-103704996-G-A.
Other names: short protein forms P187S.
Identifiers: ClinVar variation 2017086 (VCV002017086.4), dbSNP rs576655877, ClinGen allele CA7042159.